The following is an entry in ClinVar:

ClinVar aggregate classification (germline): Uncertain significance (1 of 4 stars; one submission).

Submission:

Labcorp Genetics (formerly Invitae), Labcorp
Classification: Uncertain significance. Last evaluated: 2023-08-30. Review status: criteria provided, single submitter. Criteria: Invitae Variant Classification Sherloc (09022015). Collection method: clinical testing. Allele origin: germline.
Comment: This sequence change creates a premature translational stop signal (p.Arg465Valfs*20) in the RHOBTB2 gene. It is expected to result in an absent or disrupted protein product. However, the current clinical and genetic evidence is not sufficient to establish whether loss-of-function variants in RHOBTB2 cause disease. This variant is not present in population databases (gnomAD no frequency). This variant has not been reported in the literature in individuals affected with RHOBTB2-related conditions. ClinVar contains an entry for this variant (Variation ID: 1347715). In summary, the available evidence is currently insufficient to determine the role of this variant in disease. Therefore, it has been classified as a Variant of Uncertain Significance.

NM_015178.3(RHOBTB2):c.1327del (p.Arg443fs)

Gene: RHOBTB2 (Rho related BTB domain containing 2; plus strand). Cytogenetic location: 8p21.3.
Variant type: Deletion.
Coding change: c.1327del on transcript NM_015178.3 (MANE Select); coding-DNA position 1327, one base deleted (C; older notation c.1327delC).
Protein change: p.Arg443fs; shifts the reading frame from arginine 443.
Molecular consequence: frameshift variant.
Genome position (GRCh38, 1-based): chr8:23,007,572, C deleted. VCF-style (leftmost placement, unchanged base first): chr8-23007571-GC-G. GRCh37 (hg19) VCF-style: chr8-22865084-GC-G.
Other names: c.1393del, p.Arg465fs (NM_001160036.2); c.1348del, p.Arg450fs (NM_001160037.2); c.1327del, p.Arg443fs (NM_001374791.1); short protein forms R443fs, R450fs, R465fs.
Identifiers: ClinVar variation 1347715 (VCV001347715.6), dbSNP rs2128804970, ClinGen allele CA2573142573.